The following is an entry in ClinVar:

ClinVar aggregate classification (germline): Uncertain significance (1 of 4 stars; one submission).

gnomAD v4.1: 11 of 1,613,930 alleles (0.00068%); highest among the groups gnomAD compares: Non-Finnish European, 0.00093%; no homozygotes.

Submission:

GeneDx
Classification: Uncertain significance. Last evaluated: 2024-01-30. Review status: criteria provided, single submitter. Criteria: GeneDx Variant Classification Process June 2021. Collection method: clinical testing. Allele origin: germline. Affected: yes.
Comment: In silico analysis supports that this missense variant does not alter protein structure/function; Has not been previously published as pathogenic or benign to our knowledge

NM_173560.4(RFX6):c.1818A>T (p.Gln606His)

Genes: RFX6 (regulatory factor X6; plus strand), LOC126859771 (BRD4-independent group 4 enhancer GRCh37_chr6:117246147-117247346; plus strand). Cytogenetic location: 6q22.1.
Variant type: single nucleotide variant.
Coding change: c.1818A>T on transcript NM_173560.4 (MANE Select); coding-DNA position 1818, A replaced by T.
Protein change: p.Gln606His; replaces glutamine 606 with histidine.
Molecular consequence: missense variant.
Genome position (GRCh38, 1-based): chr6:116,925,592, A>T. VCF-style: chr6-116925592-A-T. GRCh37 (hg19) VCF-style: chr6-117246755-A-T.
Other names: short protein forms Q606H.
Identifiers: ClinVar variation 3368575 (VCV003368575.1).